The following is an entry in ClinVar:

ClinVar aggregate classification (germline): Uncertain significance (1 of 4 stars; one submission).

Conditions:
RASopathy. Also called: rasopathies; Noonan spectrum disorder. Identifiers: Orphanet 536391, MedGen C5555857, MONDO:0021060.

Submission:

Labcorp Genetics (formerly Invitae), Labcorp
Classification: Uncertain significance for RASopathy. Last evaluated: 2022-08-16. Review status: criteria provided, single submitter. Criteria: Invitae Variant Classification Sherloc (09022015). Collection method: clinical testing. Allele origin: germline.
Comment: In summary, the available evidence is currently insufficient to determine the role of this variant in disease. Therefore, it has been classified as a Variant of Uncertain Significance. Advanced modeling of protein sequence and biophysical properties (such as structural, functional, and spatial information, amino acid conservation, physicochemical variation, residue mobility, and thermodynamic stability) performed at Invitae indicates that this missense variant is expected to disrupt RAF1 protein function. This variant has not been reported in the literature in individuals affected with RAF1-related conditions. This variant is not present in population databases (gnomAD no frequency). This sequence change replaces phenylalanine, which is neutral and non-polar, with leucine, which is neutral and non-polar, at codon 525 of the RAF1 protein (p.Phe525Leu).

NM_002880.4(RAF1):c.1575C>G (p.Phe525Leu)

Gene: RAF1 (Raf-1 proto-oncogene, serine/threonine kinase; minus strand). Cytogenetic location: 3p25.2.
Variant type: single nucleotide variant.
Coding change: c.1575C>G on transcript NM_002880.4 (MANE Select); coding-DNA position 1575, C replaced by G.
Protein change: p.Phe525Leu; replaces phenylalanine 525 with leucine.
Molecular consequence: missense variant. On other transcripts: non-coding transcript variant (3).
Genome position (GRCh38, 1-based): chr3:12,585,215, G>C on the plus strand (C>G on the coding strand, the complement: RAF1 is on the minus strand). VCF-style: chr3-12585215-G-C. GRCh37 (hg19) VCF-style: chr3-12626714-G-C.
Other names: c.1635C>G, p.Phe545Leu (NM_001354689.3); c.1575C>G, p.Phe525Leu (NM_001354690.3); c.1332C>G, p.Phe444Leu (NM_001354691.3, NM_001354692.3); c.1476C>G, p.Phe492Leu (NM_001354693.3); c.1392C>G, p.Phe464Leu (NM_001354694.3); c.1233C>G, p.Phe411Leu (NM_001354695.3); short protein forms F411L, F444L, F464L, F492L, F525L, F545L.
Identifiers: ClinVar variation 2055887 (VCV002055887.4), dbSNP rs2125322663, ClinGen allele CA351497796.